The following is an entry in ClinVar:

ClinVar aggregate classification (germline): Pathogenic (1 of 4 stars; one submission).

Conditions:
Autosomal recessive ataxia, Beauce type. Also called: SYNE1-Related Autosomal Recessive Cerebellar Ataxia; Spinocerebellar ataxia, autosomal recessive 8; ATAXIA, RECESSIVE, OF BEAUCE; SYNE1 Deficiency. Identifiers: Orphanet 88644, MedGen C1853116, MONDO:0012549, OMIM 610743.
Emery-Dreifuss muscular dystrophy 4, autosomal dominant (EDMD4). Also called: EMERY-DREIFUSS MUSCULAR DYSTROPHY 4 WITH VARIABLE FEATURES. Identifiers: Orphanet 261, MedGen C2751807, MONDO:0013071, OMIM 612998.

Submission:

Labcorp Genetics (formerly Invitae), Labcorp
Classification: Pathogenic for Emery-Dreifuss muscular dystrophy 4, autosomal dominant; Autosomal recessive ataxia, Beauce type. Last evaluated: 2025-06-01. Review status: criteria provided, single submitter. Criteria: Invitae Variant Classification Sherloc (09022015). Collection method: clinical testing. Allele origin: germline.
Comment: This sequence change creates a premature translational stop signal (p.Gln8441*) in the SYNE1 gene. It is expected to result in an absent or disrupted protein product. Loss-of-function variants in SYNE1 are known to be pathogenic (PMID: 19542096, 24319099, 27086870). This variant is not present in population databases (gnomAD no frequency). This variant has not been reported in the literature in individuals affected with SYNE1-related conditions. For these reasons, this variant has been classified as Pathogenic.

Literature cited by the submitters: PubMed 19542096; PubMed 24319099; PubMed 27086870.

NM_182961.4(SYNE1):c.25465C>T (p.Gln8489Ter)

Gene: SYNE1 (spectrin repeat containing nuclear envelope protein 1; minus strand). Cytogenetic location: 6q25.2.
Variant type: single nucleotide variant.
Coding change: c.25465C>T on transcript NM_182961.4 (MANE Select); coding-DNA position 25465, C replaced by T.
Protein change: p.Gln8489Ter; replaces glutamine 8489 with a stop codon.
Molecular consequence: nonsense.
Genome position (GRCh38, 1-based): chr6:152,136,812, G>A on the plus strand (C>T on the coding strand, the complement: SYNE1 is on the minus strand). VCF-style: chr6-152136812-G-A. GRCh37 (hg19) VCF-style: chr6-152457947-G-A.
Other names: c.2071C>T, p.Gln691Ter (NM_001347701.2); c.1999C>T, p.Gln667Ter (NM_001347702.2); c.25321C>T, p.Gln8441Ter (NM_033071.5); short protein forms Q667*, Q691*, Q8441*, Q8489*.
Identifiers: ClinVar variation 4785097 (VCV004785097.1).